The following is an entry in ClinVar:

ClinVar aggregate classification (germline): Benign. Review status: criteria provided, multiple submitters, no conflicts (2 of 4 stars). 2 submissions from 2 submitters: Benign (2). Last evaluated 2018-06-18.

Allele frequency attached by ClinVar (database versions not stated): gnomAD exomes 0.09625; 1000 Genomes Project 0.11661; 1000 Genomes Project 30x 0.12352; gnomAD 0.12860 and 0.13312; TOPMed 0.13260.
gnomAD v4.1: 111,324 of 1,105,730 alleles (10%); highest among the groups gnomAD compares: African/African-American, 23%; 6,731 homozygotes.

Submissions (2):

GeneDx
Classification: Benign. Last evaluated: 2018-06-18. Review status: criteria provided, single submitter. Criteria: GeneDx Variant Classification (06012015). Collection method: clinical testing. Allele origin: germline. Affected: yes.
Comment: This variant is considered likely benign or benign based on one or more of the following criteria: it is a conservative change, it occurs at a poorly conserved position in the protein, it is predicted to be benign by multiple in silico algorithms, and/or has population frequency not consistent with disease.

Breakthrough Genomics
Classification: Benign. Review status: criteria provided, single submitter. Criteria: ACMG Guidelines, 2015. Collection method: not provided. Allele origin: germline. Inheritance: Autosomal recessive inheritance. Affected: yes.

NM_152490.5(B3GALNT2):c.1368+93A>G

Gene: B3GALNT2 (beta-1,3-N-acetylgalactosaminyltransferase 2; minus strand). Cytogenetic location: 1q42.3.
Variant type: single nucleotide variant.
Coding change: c.1368+93A>G on transcript NM_152490.5 (MANE Select); 93 bases into the intron after coding-DNA position 1368, A replaced by G.
Molecular consequence: intron variant.
Genome position (GRCh38, 1-based): chr1:235,452,997, T>C on the plus strand (A>G on the coding strand, the complement: B3GALNT2 is on the minus strand). VCF-style: chr1-235452997-T-C. GRCh37 (hg19) VCF-style: chr1-235616309-T-C.
Identifiers: ClinVar variation 678122 (VCV000678122.2), dbSNP rs6702967, ClinGen allele CA344955960.